The following is an entry in ClinVar:

NM_005027.4(PIK3R2):c.1454A>G (p.Asn485Ser)

Gene: PIK3R2 (phosphoinositide-3-kinase regulatory subunit 2; plus strand). Cytogenetic location: 19p13.11.
Variant type: single nucleotide variant.
Coding change: c.1454A>G on transcript NM_005027.4 (MANE Select); coding-DNA position 1454, A replaced by G.
Protein change: p.Asn485Ser; replaces asparagine 485 with serine.
Molecular consequence: missense variant. On other transcripts: non-coding transcript variant (2).
Genome position (GRCh38, 1-based): chr19:18,166,197, A>G. VCF-style: chr19-18166197-A-G. GRCh37 (hg19) VCF-style: chr19-18277007-A-G.
Other names: short protein forms N485S.
Identifiers: ClinVar variation 2579559 (VCV002579559.2), dbSNP rs146156161, ClinGen allele CA9307034.

ClinVar aggregate classification (germline): Conflicting classifications of pathogenicity. Review status: criteria provided, conflicting classifications (1 of 4 stars). 2 submissions from 2 submitters: Uncertain significance (1); Likely benign (1). Last evaluated 2023-08-15.

Allele frequency attached by ClinVar (database versions not stated): gnomAD exomes 0.00002; ExAC 0.00004; TOPMed 0.00006; ESP Exome Variant Server 0.00015; 1000 Genomes Project 30x 0.00016; 1000 Genomes Project 0.00020.
gnomAD v4.1: 50 of 1,614,102 alleles (0.0031%); highest among the groups gnomAD compares: African/African-American, 0.025%; no homozygotes.

Submissions (2):

Blueprint Genetics
Classification: Likely benign. Last evaluated: 2023-08-15. Review status: criteria provided, single submitter. Criteria: ACMG Guidelines, 2015. Collection method: clinical testing. Allele origin: germline.

GeneDx
Classification: Uncertain significance. Last evaluated: 2023-03-05. Review status: criteria provided, single submitter. Criteria: GeneDx Variant Classification Process June 2021. Collection method: clinical testing. Allele origin: germline. Affected: yes.
Comment: In silico analysis supports that this missense variant has a deleterious effect on protein structure/function; Has not been previously reported as a pathogenic or benign germline variant in association with neurodevelopmental disorders to our knowledge; This variant is associated with the following publications: (PMID: 31253977)